The following is an entry in ClinVar:

ClinVar aggregate classification (germline): Uncertain significance. Review status: criteria provided, multiple submitters, no conflicts (2 of 4 stars). 2 submissions from 2 submitters: Uncertain significance (2). Last evaluated 2025-02-08.

Conditions:
Pulmonary fibrosis and/or bone marrow failure, Telomere-related, 3. Also called: PULMONARY FIBROSIS AND/OR BONE MARROW FAILURE SYNDROME, TELOMERE-RELATED, 3. Identifiers: Orphanet 2032, MedGen C4225346, MONDO:0014613, OMIM 616373.
Dyskeratosis congenita, autosomal recessive 5 (DKCB5). Identifiers: MedGen C3554656, MONDO:0014076, OMIM 615190.
Inborn genetic diseases. Identifiers: MedGen C0950123, MeSH D030342.

Allele frequency attached by ClinVar (database versions not stated): gnomAD 0.00001; gnomAD exomes 0.00001.
gnomAD v4.1: 4 of 1,612,078 alleles (0.00025%); highest among the groups gnomAD compares: South Asian, 0.0022%; no homozygotes.

Submissions (2):

Ambry Genetics
Classification: Uncertain significance for Inborn genetic diseases. Last evaluated: 2025-02-08. Review status: criteria provided, single submitter. Criteria: Ambry Variant Classification Scheme 2023. Collection method: clinical testing. Allele origin: germline.
Comment: The p.A1154V variant (also known as c.3461C>T), located in coding exon 32 of the RTEL1 gene, results from a C to T substitution at nucleotide position 3461. The alanine at codon 1154 is replaced by valine, an amino acid with similar properties. This amino acid position is conserved. In addition, this alteration is predicted to be tolerated by in silico analysis. Based on the available evidence, the clinical significance of this variant remains unclear.

Labcorp Genetics (formerly Invitae), Labcorp
Classification: Uncertain significance for Dyskeratosis congenita, autosomal recessive 5; Pulmonary fibrosis and/or bone marrow failure, Telomere-related, 3. Last evaluated: 2023-06-13. Review status: criteria provided, single submitter. Criteria: Invitae Variant Classification Sherloc (09022015). Collection method: clinical testing. Allele origin: germline.
Comment: In summary, the available evidence is currently insufficient to determine the role of this variant in disease. Therefore, it has been classified as a Variant of Uncertain Significance. An algorithm developed to predict the effect of missense changes on protein structure and function (PolyPhen-2) suggests that this variant¬†is likely to be tolerated. This variant has not been reported in the literature in individuals affected with RTEL1-related conditions. The frequency data for this variant in the population databases is considered unreliable, as metrics indicate poor data quality at this position in the gnomAD database. This sequence change replaces alanine, which is neutral and non-polar, with valine, which is neutral and non-polar, at codon 1154 of the RTEL1 protein (p.Ala1154Val).

NM_001283009.2(RTEL1):c.3461C>T (p.Ala1154Val)

Genes: RTEL1 (regulator of telomere elongation helicase 1; plus strand), RTEL1-TNFRSF6B (RTEL1-TNFRSF6B readthrough (NMD candidate); plus strand). Cytogenetic location: 20q13.33.
Variant type: single nucleotide variant.
Coding change: c.3461C>T on transcript NM_001283009.2 (MANE Select); coding-DNA position 3461, C replaced by T.
Protein change: p.Ala1154Val; replaces alanine 1154 with valine.
Molecular consequence: missense variant. On other transcripts: non-coding transcript variant (1).
Genome position (GRCh38, 1-based): chr20:63,695,183, C>T. VCF-style: chr20-63695183-C-T. GRCh37 (hg19) VCF-style: chr20-62326536-C-T.
Other names: c.2792C>T, p.Ala931Val (NM_001283010.1); c.3461C>T, p.Ala1154Val (NM_016434.4); c.3533C>T, p.Ala1178Val (NM_032957.5); short protein forms A1154V, A931V, A1178V.
Identifiers: ClinVar variation 2934929 (VCV002934929.2), dbSNP rs1482377789, ClinGen allele CA409685475.